The following is an entry in ClinVar:

ClinVar aggregate classification (germline): Uncertain significance. Review status: criteria provided, single submitter (1 of 4 stars). 2 submissions from 2 submitters: Uncertain significance (1). 1 of the submissions does not count toward it. Last evaluated 2017-03-13.

Conditions:
Intellectual developmental disorder, X-linked, syndromic 33. Also called: X-linked intellectual disability-global development delay-facial dysmorphism-sacral caudal remnant syndrome; Intellectual disability, X-linked, syndromic 33. Identifiers: Orphanet 480907, MedGen C4225418, MONDO:0010500, OMIM 300966.

Allele frequency attached by ClinVar (database versions not stated): gnomAD exomes 0.00001 and below 0.00001; TOPMed below 0.00001; ExAC 0.00001; gnomAD 0.00002; ESP Exome Variant Server 0.00009.
gnomAD v4.1: 3 of 1,208,724 alleles (0.00025%); highest among the groups gnomAD compares: African/African-American, 0.0018%; no homozygotes.

Submissions (2):

GeneDx
Classification: Uncertain significance. Last evaluated: 2017-03-13. Review status: criteria provided, single submitter. Criteria: GeneDx Variant Classification (06012015). Collection method: clinical testing. Allele origin: germline. Affected: yes.
Comment: The D433N variant in the TAF1 gene has not been reported previously as a pathogenic variant, nor as a benign variant, to our knowledge. The D433N variant is not observed at a significant frequency in large population cohorts (Lek et al., 2016; 1000 Genomes Consortium et al., 2015; Exome Variant Server). The D433N variant is a semi-conservative amino acid substitution, which may impact secondary protein structure as these residues differ in some properties. This substitution occurs at a position where amino acids with similar properties to Asparagine are tolerated across species. In silico analysis predicts this variant is probably damaging to the protein structure/function. We interpret D433N as a variant of uncertain significance

Genome Medicine, Institute for Basic Research in Developmental Disabilities
Classification: Uncertain significance for Intellectual developmental disorder, X-linked, syndromic 33. Last evaluated: 2019-09-23. Review status: no assertion criteria provided. Collection method: clinical testing. Allele origin: maternal. Affected: yes. Not counted in ClinVar's aggregate classification.

NM_004606.5(TAF1):c.1237G>A (p.Asp413Asn)

Gene: TAF1 (TATA-box binding protein associated factor 1; plus strand). Cytogenetic location: Xq13.1.
Variant type: single nucleotide variant.
Coding change: c.1237G>A on transcript NM_004606.5 (MANE Select); coding-DNA position 1237, G replaced by A.
Protein change: p.Asp413Asn; replaces aspartic acid 413 with asparagine.
Molecular consequence: missense variant. On other transcripts: non-coding transcript variant (9).
Genome position (GRCh38, 1-based): chrX:71,378,908, G>A. VCF-style: chrX-71378908-G-A. GRCh37 (hg19) VCF-style: chrX-70598758-G-A.
Other names: c.1237G>A, p.Asp413Asn (NM_001286074.2); c.1174G>A, p.Asp392Asn (NM_138923.4); short protein forms D433N, D413N, D392N.
Identifiers: ClinVar variation 424150 (VCV000424150.5), dbSNP rs367907623, ClinGen allele CA10446688.